The following is an entry in ClinVar:

ClinVar aggregate classification (germline): Uncertain significance (1 of 4 stars; one submission).

Conditions:
Spastic paraplegia. Identifiers: MedGen C0037772, HP:0001258.

Allele frequency attached by ClinVar (database versions not stated): gnomAD exomes below 0.00001 and 0.00001; gnomAD 0.00001; TOPMed 0.00001; ExAC 0.00002; 1000 Genomes Project 30x 0.00016; 1000 Genomes Project 0.00020.

Submission:

Labcorp Genetics (formerly Invitae), Labcorp
Classification: Uncertain significance for Spastic paraplegia. Last evaluated: 2021-12-03. Review status: criteria provided, single submitter. Criteria: Invitae Variant Classification Sherloc (09022015). Collection method: clinical testing. Allele origin: germline.
Comment: This sequence change replaces arginine, which is basic and polar, with glutamine, which is neutral and polar, at codon 1378 of the ZFYVE26 protein (p.Arg1378Gln). This variant is present in population databases (rs554542236, gnomAD 0.003%). This variant has not been reported in the literature in individuals affected with ZFYVE26-related conditions. Algorithms developed to predict the effect of missense changes on protein structure and function output the following: SIFT: "Tolerated"; PolyPhen-2: "Benign"; Align-GVGD: "Class C0". The glutamine amino acid residue is found in multiple mammalian species, which suggests that this missense change does not adversely affect protein function. In summary, the available evidence is currently insufficient to determine the role of this variant in disease. Therefore, it has been classified as a Variant of Uncertain Significance.

NM_015346.4(ZFYVE26):c.4133G>A (p.Arg1378Gln)

Gene: ZFYVE26 (zinc finger FYVE-type containing 26; minus strand). Cytogenetic location: 14q24.1.
Variant type: single nucleotide variant.
Coding change: c.4133G>A on transcript NM_015346.4 (MANE Select); coding-DNA position 4133, G replaced by A.
Protein change: p.Arg1378Gln; replaces arginine 1378 with glutamine.
Molecular consequence: missense variant.
Genome position (GRCh38, 1-based): chr14:67,783,019, C>T on the plus strand (G>A on the coding strand, the complement: ZFYVE26 is on the minus strand). VCF-style: chr14-67783019-C-T. GRCh37 (hg19) VCF-style: chr14-68249736-C-T.
Other names: short protein forms R1378Q.
Identifiers: ClinVar variation 1372496 (VCV001372496.3), dbSNP rs554542236, ClinGen allele CA7239827.